The following is an entry in ClinVar:

NM_001077525.3(MTMR14):c.368C>T (p.Ala123Val)

Gene: MTMR14 (myotubularin related protein 14; plus strand). Cytogenetic location: 3p25.3.
Variant type: single nucleotide variant.
Coding change: c.368C>T on transcript NM_001077525.3 (MANE Select); coding-DNA position 368, C replaced by T.
Protein change: p.Ala123Val; replaces alanine 123 with valine.
Molecular consequence: missense variant. On other transcripts: non-coding transcript variant (7), intron variant (8), 5 prime UTR variant (13).
Genome position (GRCh38, 1-based): chr3:9,662,326, C>T. VCF-style: chr3-9662326-C-T. GRCh37 (hg19) VCF-style: chr3-9704010-C-T.
Other names: c.-225-6393C>T (NM_001400540.1); c.308+8557C>T (NM_001400524.1, NM_001400527.1, NM_001400530.1 and 2 more transcripts); c.-162+8557C>T (NM_001400550.1); c.-150+41C>T (NM_001400543.1); c.368C>T, p.Ala123Val (NM_001077526.3, NM_001400519.1, NM_001400520.1 and 4 more transcripts); c.437C>T, p.Ala146Val (NM_001400518.1, NM_001400521.1, NM_001400526.1); c.86C>T, p.Ala29Val (NM_001400525.1, NM_001400529.1, NM_001400532.1 and 1 more transcripts); c.-138C>T (NM_001400533.1, NM_001400535.1, NM_001400539.1 and 1 more transcripts); and 5 more; short protein forms A123V, A29V, A146V.
Identifiers: ClinVar variation 3709251 (VCV003709251.4).
Genomic context (GRCh38, chr3:9,662,326, plus strand): 5'-GGTTTGAGAGTACCGTACAGGTGAGCAAGTTGCAAGACCTCATCCACCGCAGCAAGATGG[C>T]CCGGTGCAGAGGACGGTTTGTCTGCCCAGTAATCCTGTTCAAGGGCAAGGTAAGGCCCAT-3'
Protein context (NP_001070993.1, residues 113-133): LQDLIHRSKM[Ala123Val]RCRGRFVCPV

ClinVar aggregate classification (germline): Uncertain significance. Review status: criteria provided, multiple submitters, no conflicts (2 of 4 stars). 3 submissions from 3 submitters: Uncertain significance (3). Last evaluated 2025-11-20.

Conditions:
MTMR14-related disorder. Also called: MTMR14-related condition.

gnomAD v4.1: 1 of 1,613,532 alleles (0.000062%); highest among the groups gnomAD compares: African/African-American, 0.0013%; no homozygotes.

Submissions (3):

PreventionGenetics, part of Exact Sciences
Classification: Uncertain significance for MTMR14-related condition. Last evaluated: 2025-11-20. Review status: criteria provided, single submitter. Criteria: ACMG Guidelines, 2015. Collection method: clinical testing. Allele origin: germline.
Comment: The MTMR14 c.368C>T variant is predicted to result in the amino acid substitution p.Ala123Val. To our knowledge, this variant has not been reported in the literature or in a large population database (gnomAD), indicating this variant is rare. At this time, the clinical significance of this variant is uncertain due to the absence of conclusive functional and genetic evidence.

Ambry Genetics
Classification: Uncertain significance. Last evaluated: 2025-11-19. Review status: criteria provided, single submitter. Criteria: Ambry Variant Classification Scheme 2023. Collection method: clinical testing. Allele origin: germline.

Labcorp Genetics (formerly Invitae), Labcorp
Classification: Uncertain significance. Last evaluated: 2024-12-23. Review status: criteria provided, single submitter. Criteria: Invitae Variant Classification Sherloc (09022015). Collection method: clinical testing. Allele origin: germline.
Comment: This sequence change replaces alanine, which is neutral and non-polar, with valine, which is neutral and non-polar, at codon 123 of the MTMR14 protein (p.Ala123Val). This variant is not present in population databases (gnomAD no frequency). This variant has not been reported in the literature in individuals affected with MTMR14-related conditions. Invitae Evidence Modeling of protein sequence and biophysical properties (such as structural, functional, and spatial information, amino acid conservation, physicochemical variation, residue mobility, and thermodynamic stability) indicates that this missense variant is not expected to disrupt MTMR14 protein function with a negative predictive value of 80%. In summary, the available evidence is currently insufficient to determine the role of this variant in disease. Therefore, it has been classified as a Variant of Uncertain Significance.